The following is an entry in ClinVar:

NM_020297.4(ABCC9):c.4023+303_4023+304insCCCTGGACAAAAGGTATGAAATCACTGCATTTGATATGTTGTATACATAAAACCTCTGAGGGAGTCTGCTTTTTTACTACCTAAGCTCTTCATACTTCCCAGCCAAGTAAGTATATTCCCTACCTGATGTAGGTCAAATTATCTGCATAAAAGAAAAAAGGGAGAGATAGGATCAGACTACAGTACATGTTCTCCAAGTCATATTGTAATTCACTAGTCTCCCATGGAGATCAGAAAAGTCAACAATAGGCATGTTTTTAAAAATTTCTGTCTTCTGACTCCTGGCCATAATAGCCATCCCCTTGGGAATCTTTGC

Genes: ABCC9 (ATP binding cassette subfamily C member 9; minus strand), KCNJ8-AS1 (KCNJ8 antisense RNA 1; plus strand). Cytogenetic location: 12p12.1.
Variant type: Insertion.
Coding change: c.4023+303_4023+304insCCCTGGACAAAAGGTATGAAATCACTGCATTTGATATGTTGTATACATAAAACCTCTGAGGGAGTCTGCTTTTTTACTACCTAAGCTCTTCATACTTCCCAGCCAAGTAAGTATATTCCCTACCTGATGTAGGTCAAATTATCTGCATAAAAGAAAAAAGGGAGAGATAGGATCAGACTACAGTACATGTTCTCCAAGTCATATTGTAATTCACTAGTCTCCCATGGAGATCAGAAAAGTCAACAATAGGCATGTTTTTAAAAATTTCTGTCTTCTGACTCCTGGCCATAATAGCCATCCCCTTGGGAATCTTTGC on transcript NM_020297.4 (MANE Select); bases 303 to 304 of the intron after coding-DNA position 4023, CCCTGGACAAAAGGTATGAAATCACTGCATTTGATATGTTGTATACATAAAACCTCTGAGGGAGTCTGCTTTTTTACTACCTAAGCTCTTCATACTTCCCAGCCAAGTAAGTATATTCCCTACCTGATGTAGGTCAAATTATCTGCATAAAAGAAAAAAGGGAGAGATAGGATCAGACTACAGTACATGTTCTCCAAGTCATATTGTAATTCACTAGTCTCCCATGGAGATCAGAAAAGTCAACAATAGGCATGTTTTTAAAAATTTCTGTCTTCTGACTCCTGGCCATAATAGCCATCCCCTTGGGAATCTTTGC inserted.
Molecular consequence: intron variant.
Genome position: GRCh38: chr12:21,815,460-21,815,461. GRCh37 (hg19): chr12:21,968,394-21,968,395.
Other names: c.3156+303_3156+304insCCCTGGACAAAAGGTATGAAATCACTGCATTTGATATGTTGTATACATAAAACCTCTGAGGGAGTCTGCTTTTTTACTACCTAAGCTCTTCATACTTCCCAGCCAAGTAAGTATATTCCCTACCTGATGTAGGTCAAATTATCTGCATAAAAGAAAAAAGGGAGAGATAGGATCAGACTACAGTACATGTTCTCCAAGTCATATTGTAATTCACTAGTCTCCCATGGAGATCAGAAAAGTCAACAATAGGCATGTTTTTAAAAATTTCTGTCTTCTGACTCCTGGCCATAATAGCCATCCCCTTGGGAATCTTTGC (NM_001377274.1); c.4023+303_4023+304insCCCTGGACAAAAGGTATGAAATCACTGCATTTGATATGTTGTATACATAAAACCTCTGAGGGAGTCTGCTTTTTTACTACCTAAGCTCTTCATACTTCCCAGCCAAGTAAGTATATTCCCTACCTGATGTAGGTCAAATTATCTGCATAAAAGAAAAAAGGGAGAGATAGGATCAGACTACAGTACATGTTCTCCAAGTCATATTGTAATTCACTAGTCTCCCATGGAGATCAGAAAAGTCAACAATAGGCATGTTTTTAAAAATTTCTGTCTTCTGACTCCTGGCCATAATAGCCATCCCCTTGGGAATCTTTGC (NM_005691.4, NM_001377273.1).
Identifiers: ClinVar variation 4717416 (VCV004717416.1).

ClinVar aggregate classification (germline): Uncertain significance (1 of 4 stars; one submission).

Conditions:
Dilated cardiomyopathy 1O (CMD1O). Also called: CARDIOMYOPATHY, DILATED, WITH VENTRICULAR TACHYCARDIA. Identifiers: Orphanet 154, MedGen C1837839, MONDO:0012062, OMIM 608569.

Submission:

Labcorp Genetics (formerly Invitae), Labcorp
Classification: Uncertain significance for Dilated cardiomyopathy 1O. Last evaluated: 2025-04-13. Review status: criteria provided, single submitter. Criteria: Invitae Variant Classification Sherloc (09022015). Collection method: clinical testing. Allele origin: germline.
Comment: This sequence change falls in intron 32 of the ABCC9 gene. It does not directly change the encoded amino acid sequence of the ABCC9 protein. This variant is not present in population databases (gnomAD no frequency). This variant has not been reported in the literature in individuals affected with ABCC9-related conditions. In summary, the available evidence is currently insufficient to determine the role of this variant in disease. Therefore, it has been classified as a Variant of Uncertain Significance.